The following is an entry in ClinVar:

NM_000501.4(ELN):c.1872C>T (p.Ala624=)

Gene: ELN (elastin; plus strand). Cytogenetic location: 7q11.23.
Variant type: single nucleotide variant.
Coding change: c.1872C>T on transcript NM_000501.4 (MANE Select); coding-DNA position 1872, C replaced by T.
Protein change: p.Ala624=; no amino-acid change (alanine 624 retained).
Molecular consequence: synonymous variant.
Genome position (GRCh38, 1-based): chr7:74,063,323, C>T. VCF-style: chr7-74063323-C-T. GRCh37 (hg19) VCF-style: chr7-73477653-C-T.
Other names: c.1785C>T, p.Ala595= (NM_001081752.3); c.1830C>T, p.Ala610= (NM_001081753.3); c.1887C>T, p.Ala629= (NM_001081754.3); c.1815C>T, p.Ala605= (NM_001081755.3); c.1872C>T, p.Ala624= (NM_001278912.2); c.1629C>T, p.Ala543= (NM_001278913.2); c.1800C>T, p.Ala600= (NM_001278914.2); c.1890C>T, p.Ala630= (NM_001278915.2); and 4 more.
Identifiers: ClinVar variation 509085 (VCV000509085.19), dbSNP rs781807182, ClinGen allele CA4293272.

ClinVar aggregate classification (germline): Likely benign. Review status: criteria provided, multiple submitters, no conflicts (2 of 4 stars). 4 submissions from 4 submitters: Likely benign (4). Last evaluated 2026-01-24.

Conditions:
Supravalvar aortic stenosis (SVAS). Also called: Supravalvar aortic stenosis, Eisenberg type. Identifiers: Orphanet 3193, MedGen C0003499, MONDO:0008504, OMIM 185500, HP:0004381.

Allele frequency attached by ClinVar (database versions not stated): ExAC below 0.00001; gnomAD 0.00004; TOPMed 0.00005; gnomAD exomes 0.00006 and 0.00008.
gnomAD v4.1: 114 of 1,550,666 alleles (0.0074%); highest among the groups gnomAD compares: East Asian, 0.044%; no homozygotes.

Submissions (4):

Labcorp Genetics (formerly Invitae), Labcorp
Classification: Likely benign for Supravalvar aortic stenosis. Last evaluated: 2026-01-24. Review status: criteria provided, single submitter. Criteria: Invitae Variant Classification Sherloc (09022015). Collection method: clinical testing. Allele origin: germline.

CeGaT Center for Human Genetics Tuebingen
Classification: Likely benign. Last evaluated: 2025-03-01. Review status: criteria provided, single submitter. Criteria: CeGaT Center For Human Genetics Tuebingen Variant Classification Criteria Version 2. Collection method: clinical testing. Allele origin: germline. Affected: yes. Observed: 1 variant allele.
Comment: ELN: BP4, BP7

Laboratory of Genetics, Children's Clinical University Hospital Latvia
Classification: Likely benign. Last evaluated: 2025-02-16. Review status: criteria provided, single submitter. Criteria: ACMG Guidelines, 2015. Collection method: clinical testing. Allele origin: germline. Affected: yes.

GeneDx
Classification: Likely benign. Last evaluated: 2020-10-27. Review status: criteria provided, single submitter. Criteria: GeneDx Variant Classification Process June 2021. Collection method: clinical testing. Allele origin: germline. Affected: yes.